The following is an entry in ClinVar:

ClinVar aggregate classification (germline): Likely benign. Review status: criteria provided, multiple submitters, no conflicts (2 of 4 stars). 2 submissions from 2 submitters: Likely benign (2). Last evaluated 2026-01-11.

Allele frequency attached by ClinVar (database versions not stated): ExAC 0.00002; gnomAD exomes 0.00004 and 0.00002; gnomAD 0.00001; TOPMed 0.00002.
gnomAD v4.1: 39 of 1,611,216 alleles (0.0024%); highest among the groups gnomAD compares: Admixed American, 0.0067%; no homozygotes.

Submissions (2):

Labcorp Genetics (formerly Invitae), Labcorp
Classification: Likely benign. Last evaluated: 2026-01-11. Review status: criteria provided, single submitter. Criteria: Invitae Variant Classification Sherloc (09022015). Collection method: clinical testing. Allele origin: germline.

CeGaT Center for Human Genetics Tuebingen
Classification: Likely benign. Last evaluated: 2025-08-01. Review status: criteria provided, single submitter. Criteria: CeGaT Center For Human Genetics Tuebingen Variant Classification Criteria Version 2. Collection method: clinical testing. Allele origin: germline. Affected: yes. Observed: 1 variant allele.
Comment: CAST: BP4, BP7

NM_001750.7(CAST):c.2325G>A (p.Ala775=)

Genes: CAST (calpastatin; plus strand), ERAP1 (endoplasmic reticulum aminopeptidase 1; minus strand). Cytogenetic location: 5q15.
Variant type: single nucleotide variant.
Coding change: c.2325G>A on transcript NM_001750.7 (MANE Select); coding-DNA position 2325, G replaced by A.
Protein change: p.Ala775=; no amino-acid change (alanine 775 retained).
Molecular consequence: synonymous variant. On other transcripts: non-coding transcript variant (1), intron variant (2).
Genome position (GRCh38, 1-based): chr5:96,770,587, G>A. VCF-style: chr5-96770587-G-A. GRCh37 (hg19) VCF-style: chr5-96106291-G-A.
Other names: c.2076G>A, p.Ala692= (NM_001042443.3, NM_001423250.1); c.1953G>A, p.Ala651= (NM_001042444.3); c.1971G>A, p.Ala657= (NM_001042445.3, NM_001423255.1, NM_001423256.1 and 2 more transcripts); c.1914G>A, p.Ala638= (NM_001042446.3, NM_001423260.1); c.2037G>A, p.Ala679= (NM_001190442.2, NM_001330631.2, NM_001423251.1 and 1 more transcripts); c.1950G>A, p.Ala650= (NM_001284212.4); c.1860G>A, p.Ala620= (NM_001284213.4); c.2229G>A, p.Ala743= (NM_001330626.2); and 14 more.
Identifiers: ClinVar variation 1611554 (VCV001611554.16), dbSNP rs766520771, ClinGen allele CA3351733.
Genomic context (GRCh38, chr5:96,770,587, plus strand): 5'-TTAGGATAAGTGCAAGAAGGCTGCTTCCAGCTCCAAAGCACCTAAGAATGGAGGTAAAGC[G>A]AAGGATTCAGCAAAGGTAAATGGAGCAGTAAATATACTACAAATTAGTTTAGCAGTTACA-3'
Protein context (NP_001741.4, residues 765-785): SSKAPKNGGK[Ala775=]KDSAKTTEET